The following is an entry in ClinVar:

NM_007118.4(TRIO):c.8793C>T (p.Thr2931=)

Gene: TRIO (trio Rho guanine nucleotide exchange factor; plus strand). Cytogenetic location: 5p15.2.
Variant type: single nucleotide variant.
Coding change: c.8793C>T on transcript NM_007118.4 (MANE Select); coding-DNA position 8793, C replaced by T.
Protein change: p.Thr2931=; no amino-acid change (threonine 2931 retained).
Molecular consequence: synonymous variant. On other transcripts: non-coding transcript variant (1).
Genome position (GRCh38, 1-based): chr5:14,507,921, C>T. VCF-style: chr5-14507921-C-T. GRCh37 (hg19) VCF-style: chr5-14508030-C-T.
Identifiers: ClinVar variation 1281968 (VCV001281968.8), dbSNP rs774970827, ClinGen allele CA3207986.
Genomic context (GRCh38, chr5:14,507,921, plus strand): 5'-GTTGTATTCTGATTTCCAGCCTGAGAATATCCTGGTGGATGAGAGTTTAGCCAAGCCAAC[C>T]ATCAAACTGGCTGACTTTGGAGATGCTGTTCAGCTCAACACGACCTACTACATCCACCAG-3'
Protein context (NP_009049.2, residues 2921-2941): ILVDESLAKP[Thr2931=]IKLADFGDAV

ClinVar aggregate classification (germline): Benign/Likely benign. Review status: criteria provided, multiple submitters, no conflicts (2 of 4 stars). 2 submissions from 2 submitters: Benign (1); Likely benign (1). Last evaluated 2025-03-01.

Allele frequency attached by ClinVar (database versions not stated): gnomAD 0.00001 and 0.00002; gnomAD exomes 0.00009 and 0.00018; ExAC 0.00022.
gnomAD v4.1: 135 of 1,614,138 alleles (0.0084%); highest among the groups gnomAD compares: South Asian, 0.12%; 3 homozygotes.

Submissions (2):

CeGaT Center for Human Genetics Tuebingen
Classification: Likely benign. Last evaluated: 2025-03-01. Review status: criteria provided, single submitter. Criteria: CeGaT Center For Human Genetics Tuebingen Variant Classification Criteria Version 2. Collection method: clinical testing. Allele origin: germline. Affected: yes. Observed: 1 variant allele.
Comment: TRIO: BP4, BP7

GeneDx
Classification: Benign. Last evaluated: 2020-06-18. Review status: criteria provided, single submitter. Criteria: GeneDx Variant Classification Process June 2021. Collection method: clinical testing. Allele origin: germline. Affected: yes.